The following is an entry in ClinVar:

ClinVar aggregate classification (germline): Uncertain significance (1 of 4 stars; one submission).

Conditions:
Inborn genetic diseases. Identifiers: MedGen C0950123, MeSH D030342.

Submission:

Ambry Genetics
Classification: Uncertain significance for Inborn genetic diseases. Last evaluated: 2025-06-14. Review status: criteria provided, single submitter. Criteria: Ambry Variant Classification Scheme 2023. Collection method: clinical testing. Allele origin: germline.
Comment: The p.P1033S variant (also known as c.3097C>T), located in coding exon 30 of the RTEL1 gene, results from a C to T substitution at nucleotide position 3097. The proline at codon 1033 is replaced by serine, an amino acid with similar properties. This amino acid position is conserved. In addition, this alteration is predicted to be tolerated by in silico analysis. Based on the available evidence, the clinical significance of this variant remains unclear.

NM_001283009.2(RTEL1):c.3097C>T (p.Pro1033Ser)

Genes: RTEL1 (regulator of telomere elongation helicase 1; plus strand), RTEL1-TNFRSF6B (RTEL1-TNFRSF6B readthrough (NMD candidate); plus strand). Cytogenetic location: 20q13.33.
Variant type: single nucleotide variant.
Coding change: c.3097C>T on transcript NM_001283009.2 (MANE Select); coding-DNA position 3097, C replaced by T.
Protein change: p.Pro1033Ser; replaces proline 1033 with serine.
Molecular consequence: missense variant. On other transcripts: non-coding transcript variant (1).
Genome position (GRCh38, 1-based): chr20:63,694,476, C>T. VCF-style: chr20-63694476-C-T. GRCh37 (hg19) VCF-style: chr20-62325829-C-T.
Other names: c.2428C>T, p.Pro810Ser (NM_001283010.1); c.3097C>T, p.Pro1033Ser (NM_016434.4); c.3169C>T, p.Pro1057Ser (NM_032957.5); short protein forms P810S, P1033S, P1057S.
Identifiers: ClinVar variation 3948494 (VCV003948494.1).
Genomic context (GRCh38, chr20:63,694,476, plus strand): 5'-GCCCAGCAGCTGGACCCCCAAGAGCACCTGAACCAGGGCAGGCCCCACCTGTCGCCCAGG[C>T]CACCCCCAACAGGTAGCTGACTCCTGAACCGTGTGCAGCCTACGACTTGGTGGGTCCCTC-3'
Protein context (NP_001269938.1, residues 1023-1043): NQGRPHLSPR[Pro1033Ser]PPTGDPGSQP